The following is an entry in ClinVar:

NM_000540.3(RYR1):c.3281T>G (p.Val1094Gly)

Gene: RYR1 (ryanodine receptor 1; plus strand). Cytogenetic location: 19q13.2.
Variant type: single nucleotide variant.
Coding change: c.3281T>G on transcript NM_000540.3 (MANE Select); coding-DNA position 3281, T replaced by G.
Protein change: p.Val1094Gly; replaces valine 1094 with glycine.
Molecular consequence: missense variant.
Genome position (GRCh38, 1-based): chr19:38,467,712, T>G. VCF-style: chr19-38467712-T-G. GRCh37 (hg19) VCF-style: chr19-38958352-T-G.
Other names: c.3281T>G, p.Val1094Gly (NM_001042723.2); short protein forms V1094G.
Identifiers: ClinVar variation 4686916 (VCV004686916.1).

ClinVar aggregate classification (germline): Uncertain significance (1 of 4 stars; one submission).

Submission:

GeneDx
Classification: Uncertain significance. Last evaluated: 2025-07-21. Review status: criteria provided, single submitter. Criteria: GeneDx Variant Classification Process June 2021. Collection method: clinical testing. Allele origin: germline. Affected: yes.
Comment: Not observed at significant frequency in large population cohorts (gnomAD); In silico analysis supports that this missense variant has a deleterious effect on protein structure/function; Has not been previously published as pathogenic or benign to our knowledge